The following is an entry in ClinVar:

NM_000528.4(MAN2B1):c.1586dup (p.Val530fs)

Gene: MAN2B1 (mannosidase alpha class 2B member 1; minus strand). Cytogenetic location: 19p13.13.
Variant type: Duplication.
Coding change: c.1586dup on transcript NM_000528.4 (MANE Select); coding-DNA position 1586, one base duplicated (C; older notation c.1586dupC).
Protein change: p.Val530fs; shifts the reading frame from valine 530.
Molecular consequence: frameshift variant.
Genome position (GRCh38, 1-based): chr19:12,656,629, G duplicated on the plus strand (C on the coding strand, the reverse complement: MAN2B1 is on the minus strand); the first of 2 consecutive G bases (chr19:12,656,629-12,656,630); duplicating either gives the same sequence. VCF-style (leftmost placement, unchanged base first): chr19-12656628-C-CG. GRCh37 (hg19) VCF-style: chr19-12767442-C-CG.
Other names: c.1583dup, p.Val529fs (NM_001173498.2); c.1589dup, p.Val531fs (NM_001440570.1); short protein forms V529fs, V530fs, V531fs.
Identifiers: ClinVar variation 5011907 (VCV005011907.1).
Genomic context (GRCh38, chr19:12,656,628, plus strand): 5'-CACATCGCTGGGCACTGTCCTGCCATTGGGGTCCTTCACAACGAAAACGCCTTCGCTGAC[C>CG]GGCAGCCGTACCATCCAATTCACCTTCCGCCCCAGGGGATTATAAACGATGACCTGGAAC-3'

ClinVar aggregate classification (germline): Pathogenic (1 of 4 stars; one submission).

Conditions:
Deficiency of alpha-mannosidase (MANSA). Also called: LYSOSOMAL ALPHA-D-MANNOSIDASE DEFICIENCY; Alpha-Mannosidosis; Mannosidosis, alpha-, types I and II. Identifiers: Orphanet 61, MedGen C0024748, MONDO:0009561, OMIM 248500.

Submission:

Myriad Genetics, Inc.
Classification: Pathogenic for Deficiency of alpha-mannosidase. Last evaluated: 2023-09-27. Review status: criteria provided, single submitter. Criteria: Myriad Autosomal Dominant, Autosomal Recessive and X-Linked Classification Criteria (2023). Collection method: clinical testing. Allele origin: unknown.
Comment: NM_000528.3(MAN2B1):c.1586dupC(V530Gfs*81) is expected to be pathogenic in the context of alpha-mannosidosis. This variant is predicted to lead to an abnormal or absent protein product due to the creation of a premature termination codon in MAN2B1, a gene where loss-of-function variants are known to be pathogenic. Please note: this variant was assessed in the context of healthy population screening.